The following is an entry in ClinVar:

NM_001148.6(ANK2):c.4315G>T (p.Gly1439Cys)

Gene: ANK2 (ankyrin 2; plus strand). Cytogenetic location: 4q26.
Variant type: single nucleotide variant.
Coding change: c.4315G>T on transcript NM_001148.6 (MANE Select); coding-DNA position 4315, G replaced by T.
Protein change: p.Gly1439Cys; replaces glycine 1439 with cysteine.
Molecular consequence: missense variant.
Genome position (GRCh38, 1-based): chr4:113,345,966, G>T. VCF-style: chr4-113345966-G-T. GRCh37 (hg19) VCF-style: chr4-114267122-G-T.
Other names: p.G1439C:GGC>TGC; c.4288G>T, p.Gly1430Cys (NM_001127493.3); c.4327G>T, p.Gly1443Cys (NM_001354225.2); c.4216G>T, p.Gly1406Cys (NM_001354228.2, NM_001354258.2); c.4294G>T, p.Gly1432Cys (NM_001354230.2); c.4357G>T, p.Gly1453Cys (NM_001354231.2, NM_001354242.2); c.4351G>T, p.Gly1451Cys (NM_001354232.2); c.4312G>T, p.Gly1438Cys (NM_001354235.2, NM_001354246.2, NM_001354265.2); and 33 more; short protein forms G1430C, G1439C, G1311C, G1364C, G1373C, G1384C, G1405C, G1418C.
Identifiers: ClinVar variation 67606 (VCV000067606.35), dbSNP rs34591340, ClinGen allele CA218791.

ClinVar aggregate classification (germline): Conflicting classifications of pathogenicity. Review status: criteria provided, conflicting classifications (1 of 4 stars). 13 submissions from 13 submitters: Uncertain significance (7); Benign (1); Likely benign (4). 1 of the submissions does not count toward it. Last evaluated 2025-10-23.

Conditions:
Cardiac arrhythmia, ankyrin-B-related. Also called: ANKYRIN-B SYNDROME. Identifiers: Orphanet 101016, Orphanet 768, MedGen C1970119, MONDO:0010958, OMIM 600919.
Long QT syndrome (LQTS). Identifiers: MedGen C0023976, MeSH D008133, MONDO:0002442. Disease mechanism: loss of function. Inheritance: Various modes of inheritance.
Hypertrophic cardiomyopathy. Also called: HYPERTROPHIC MYOCARDIOPATHY. Identifiers: Orphanet 217569, MedGen C0007194, MeSH D002312, MONDO:0005045, HP:0001639.
Cardiomyopathy (CMYO). Also called: Cardiomyopathies. Identifiers: Orphanet 167848, MedGen C0878544, MONDO:0004994, HP:0001638. Inheritance: Various modes of inheritance.
Cardiovascular phenotype. Identifiers: MedGen CN230736.

Allele frequency attached by ClinVar (database versions not stated): gnomAD 0.00023 and 0.00022; TOPMed 0.00023; gnomAD exomes 0.00028; ExAC 0.00029; ESP Exome Variant Server 0.00031; 1000 Genomes Project 30x 0.00016; 1000 Genomes Project 0.00020.
gnomAD v4.1: 519 of 1,613,736 alleles (0.032%); highest among the groups gnomAD compares: Non-Finnish European, 0.04%; no homozygotes.

Submissions (13):

Labcorp Genetics (formerly Invitae), Labcorp
Classification: Likely benign for Long QT syndrome. Last evaluated: 2025-10-23. Review status: criteria provided, single submitter. Criteria: Invitae Variant Classification Sherloc (09022015). Collection method: clinical testing. Allele origin: germline.

GeneDx
Classification: Uncertain significance. Last evaluated: 2025-10-02. Review status: criteria provided, single submitter. Criteria: GeneDx Variant Classification Process June 2021. Collection method: clinical testing. Allele origin: germline. Affected: yes.
Comment: Reported in association with LQTS, HCM, and early onset atrial fibrillation; no case-specific clinical or segregation data were provided in these publications (PMID: 23174487, 25351510, 31638414); Functional studies in mouse neonatal cardiomyocytes suggest this variant may not impact ankyrin-B function; the clinical validity of these studies remains to be established (PMID: 17242276); In silico analysis supports that this missense variant has a deleterious effect on protein structure/function; This variant is associated with the following publications: (PMID: 23631430, 25351510, 28988457, 22581653, 31638414, 17242276, 23174487)

Molecular Diagnostic Laboratory for Inherited Cardiovascular Disease, Montreal Heart Institute
Classification: Uncertain significance for Cardiovascular phenotype. Last evaluated: 2025-04-08. Review status: criteria provided, single submitter. Criteria: ACMG Guidelines, 2015. Collection method: clinical testing. Allele origin: germline. Affected: yes.
Comment: PS4_supp;PP3;BS1;BS3_supp

Laboratory of Genetics, Children's Clinical University Hospital Latvia
Classification: Likely benign. Last evaluated: 2025-02-16. Review status: criteria provided, single submitter. Criteria: ACMG Guidelines, 2015. Collection method: clinical testing. Allele origin: germline. Affected: yes.

Blueprint Genetics
Classification: Likely benign. Last evaluated: 2024-09-05. Review status: criteria provided, single submitter. Criteria: ACMG Guidelines, 2015. Collection method: clinical testing. Allele origin: germline.

Ambry Genetics
Classification: Likely benign for Cardiovascular phenotype. Last evaluated: 2024-06-24. Review status: criteria provided, single submitter. Criteria: Ambry Variant Classification Scheme 2023. Collection method: clinical testing. Allele origin: germline.

Victorian Clinical Genetics Services, Murdoch Childrens Research Institute
Classification: Uncertain significance for Cardiac arrhythmia, ankyrin-B-related. Last evaluated: 2022-09-02. Review status: criteria provided, single submitter. Criteria: ACMG Guidelines, 2015. Collection method: clinical testing. Allele origin: germline. Inheritance: Autosomal dominant inheritance.
Comment: Based on the classification scheme VCGS_Germline_v1.1.1, this variant is classified as VUS-3C. Following criteria are met: 0102 - Loss-of-function is a known mechanism of disease for this gene. (OMIM, PMID:12571597, PMID:15178757, PMID:17242276.) (N) 0107 - This gene is known to be associated with autosomal dominant disease. (N) 0112 - Variants in this gene are known to have reduced penetrance. Limited evidence (PMID:26230511). (N) 0200 - Variant is predicted to result in a missense amino acid change from glycine to cysteine (exon 35). (N) 0251 - Variant is heterozygous. (N) 0302 - Variant is present in gnomAD <0.001 for a dominant condition: 0.0002795 (79 het, 0 hom). (P) 0309 An alternative amino acid change at the same position has been observed in gnomAD p.(Gly1439Asp): 0.000004 (1 het, 0 hom). (N) 0502 - Missense variant with conflicting in silico predictions and/or uninformative conservation. Major change. High conservation. (N) 0600 - Variant is located in an annotated domain or motif. UPA domain (NCBI_Conserved Domains, (N) 0704 - Comparable variant has low previous evidence for pathogenicity. NM_ 001148.4(ANK2):c.4315G>A; Gly1439Ser: considered Likely pathogenic in 1 patient with atrial fibrillation (PMID: 30276209). (P) 0808 - Previous reports of pathogenicity are conflicting. ClinVar: 5x VUS, 2x Likely benign, 1x benign, 1 not provided, with most recent submissions and evaluations tending towards benign/ likely benign. LOVD3: Likely benign x1 (VKGL Data sharing initiative, Netherlands). Earlier publications indicate an association with LQTS (PMID: 23174487, PMID: 28988457). However, more recent reports suggest is a VUS, with not enough evidence, or a VUS, likely benign (PMID: 28589536, PMID: 31638414, respectively. (N) 0905 - No segregation evidence has been identified for this variant. (N) 1004 - Moderate functional evidence supporting normal protein function. PMID:17242276: Referred to as G4216T, G1406C, due to a different transcript used. Effects were similar to wildtype, and rescued abnormal phenotype (contraction rate and spatial patterns of Ca2+ release in ankyrin-B heterozygous and homozygous knockout mice. (N) Legend: (P) - Pathogenic, (N) - Neutral, (B) - Benign

Mendelics
Classification: Benign for Cardiac arrhythmia, ankyrin-B-related. Last evaluated: 2019-05-28. Review status: criteria provided, single submitter. Criteria: Mendelics Assertion Criteria 2017. Collection method: clinical testing. Allele origin: unknown.

Center for Advanced Laboratory Medicine, UC San Diego Health, University of California San Diego
Classification: Uncertain significance for Hypertrophic cardiomyopathy; Cardiomyopathy. Last evaluated: 2019-03-18. Review status: criteria provided, single submitter. Criteria: ACMG Guidelines, 2015. Collection method: clinical testing. Allele origin: germline. Affected: yes. Observed: 2 variant alleles.

Illumina Laboratory Services, Illumina
Classification: Uncertain significance for Cardiac arrhythmia, ankyrin-B-related. Last evaluated: 2018-01-13. Review status: criteria provided, single submitter. Criteria: ICSL Variant Classification Criteria 13 December 2019. Collection method: clinical testing. Allele origin: germline.

Stanford Center for Inherited Cardiovascular Disease, Stanford University
Classification: Uncertain significance. Last evaluated: 2017-04-21. Review status: criteria provided, single submitter. Criteria: ACMG Guidelines, 2015. Collection method: provider interpretation. Allele origin: germline.

Center for Genomics, Ann and Robert H. Lurie Children's Hospital of Chicago
Classification: Uncertain significance for Cardiac arrhythmia, ankyrin-B-related. Review status: criteria provided, single submitter. Criteria: ACMG Guidelines, 2015. Collection method: clinical testing. Allele origin: germline.
Comment: ANK2 NM_001148.4 exon 35 p.Gly1439Cys (c.4315G>T): This variant has been reported in the literature in at least 1 individual with HCM (Lopes 2015 PMID:25351510) as well as at least 2 individuals with a clinical suspicion of Long QT syndrome (Lieve 2013 PMID:23631430, Mullally 2013 PMID:23174487). This variant is present in 64/126500 European alleles in the Genome Aggregation Database. This variant is present in ClinVar (Variation ID:67606). Evolutionary conservation and computational predictive tools for this variant are unclear. Functional studies involving cardiomyocytes suggest that this variant may not impact the protein and displays properties similar to wild-type (Mohler 2007 PMID:17242276). Further studies are needed to understand its impact. In summary, data on this variant is insufficient for disease classification. Therefore, the clinical significance of this variant is uncertain.

Cardiovascular Biomedical Research Unit, Royal Brompton & Harefield NHS Foundation Trust
No classification provided. Review status: no classification provided. Collection method: literature only. Allele origin: germline. Not counted in ClinVar's aggregate classification.
Comment: This variant has been reported in the following publications (PMID:17242276).

Literature cited by the submitters: PubMed 12571597 (cited by Victorian Clinical Genetics Services, Murdoch Childrens Research Institute); PubMed 15178757 (cited by Victorian Clinical Genetics Services, Murdoch Childrens Research Institute); PubMed 17242276 (cited by Victorian Clinical Genetics Services, Murdoch Childrens Research Institute and Cardiovascular Biomedical Research Unit, Royal Brompton & Harefield NHS Foundation Trust); PubMed 26230511 (cited by Victorian Clinical Genetics Services, Murdoch Childrens Research Institute); PubMed 30276209 (cited by Victorian Clinical Genetics Services, Murdoch Childrens Research Institute); PubMed 23174487 (cited by Victorian Clinical Genetics Services, Murdoch Childrens Research Institute); PubMed 28589536 (cited by Victorian Clinical Genetics Services, Murdoch Childrens Research Institute); PubMed 28988457 (cited by Victorian Clinical Genetics Services, Murdoch Childrens Research Institute); PubMed 31638414 (cited by Victorian Clinical Genetics Services, Murdoch Childrens Research Institute); PubMed 22581653 (cited by Cardiovascular Biomedical Research Unit, Royal Brompton & Harefield NHS Foundation Trust).